The following is an entry in ClinVar:

NM_001166114.2(PNPLA6):c.811C>T (p.Gln271Ter)

Gene: PNPLA6 (patatin like domain 6, lysophospholipase; plus strand). Cytogenetic location: 19p13.2.
Variant type: single nucleotide variant.
Coding change: c.811C>T on transcript NM_001166114.2 (MANE Select); coding-DNA position 811, C replaced by T.
Protein change: p.Gln271Ter; replaces glutamine 271 with a stop codon.
Molecular consequence: nonsense.
Genome position (GRCh38, 1-based): chr19:7,540,938, C>T. VCF-style: chr19-7540938-C-T. GRCh37 (hg19) VCF-style: chr19-7605824-C-T.
Other names: c.838C>T, p.Gln280Ter (NM_001166111.2); c.694C>T, p.Gln232Ter (NM_001166112.2, NM_001166113.1, NM_006702.5); short protein forms Q232*, Q271*, Q280*.
Identifiers: ClinVar variation 2099423 (VCV002099423.4), dbSNP rs2512500691, ClinGen allele CA403106036.
Genomic context (GRCh38, chr19:7,540,938, plus strand): 5'-CGCAGCCTCTGCCCTTGTCTCTCTTCACGCCCTCCCCTCCCCCAGGGTCACCAGCATCCC[C>T]AGCGGACCGTGTCTGCCCGGGCGGCCCGGGACTCCACGGTGCTGCGCCTGCCGGTGGAAG-3'

ClinVar aggregate classification (germline): Pathogenic (1 of 4 stars; one submission).

Conditions:
Hereditary spastic paraplegia 39 (SPG39). Also called: SPASTIC PARAPLEGIA 39, AUTOSOMAL RECESSIVE; Spastic Paraplegia Type 39 (SPG39). Identifiers: Orphanet 139480, MedGen C2677586, MONDO:0012787, OMIM 612020.

Allele frequency attached by ClinVar (database versions not stated): gnomAD exomes below 0.00001.
gnomAD v4.1: 2 of 1,612,946 alleles (0.00012%); no homozygotes.

Submission:

Labcorp Genetics (formerly Invitae), Labcorp
Classification: Pathogenic for Hereditary spastic paraplegia 39. Last evaluated: 2022-08-22. Review status: criteria provided, single submitter. Criteria: Invitae Variant Classification Sherloc (09022015). Collection method: clinical testing. Allele origin: germline.
Comment: This sequence change creates a premature translational stop signal (p.Gln232*) in the PNPLA6 gene. It is expected to result in an absent or disrupted protein product. Loss-of-function variants in PNPLA6 are known to be pathogenic (PMID: 24355708). For these reasons, this variant has been classified as Pathogenic. This variant has not been reported in the literature in individuals affected with PNPLA6-related conditions. This variant is not present in population databases (gnomAD no frequency).

Literature cited by the submitters: PubMed 24355708.